The following is an entry in ClinVar:

ClinVar aggregate classification (germline): Uncertain significance. Review status: criteria provided, multiple submitters, no conflicts (2 of 4 stars). 2 submissions from 2 submitters: Uncertain significance (2). Last evaluated 2024-04-10.

Conditions:
Polycystic kidney disease 2 (PKD2). Also called: POLYCYSTIC KIDNEY DISEASE, ADULT, TYPE II; Polycystic Kidney Disease 2, Autosomal Dominant; POLYCYSTIC KIDNEY DISEASE 2 WITH OR WITHOUT POLYCYSTIC LIVER DISEASE. Identifiers: MedGen C2751306, MONDO:0013131, OMIM 613095.
Autosomal dominant polycystic kidney disease. Identifiers: Orphanet 730, MedGen C0085413, MONDO:0004691.

Allele frequency attached by ClinVar (database versions not stated): TOPMed 0.00002.
gnomAD v4.1: 1 of 1,613,676 alleles (0.000062%); highest among the groups gnomAD compares: Non-Finnish European, 0.000085%; no homozygotes.

Submissions (2):

Fulgent Genetics
Classification: Uncertain significance for Polycystic kidney disease 2. Last evaluated: 2024-04-10. Review status: criteria provided, single submitter. Criteria: ACMG Guidelines, 2015. Collection method: clinical testing. Allele origin: germline.

Labcorp Genetics (formerly Invitae), Labcorp
Classification: Uncertain significance for Autosomal dominant polycystic kidney disease. Last evaluated: 2018-02-28. Review status: criteria provided, single submitter. Criteria: Invitae Variant Classification Sherloc (09022015). Collection method: clinical testing. Allele origin: germline.
Comment: This variant is not present in population databases (ExAC no frequency). This sequence change replaces isoleucine with phenylalanine at codon 606 of the PKD2 protein (p.Ile606Phe). The isoleucine residue is highly conserved and there is a small physicochemical difference between isoleucine and phenylalanine. This variant has not been reported in the literature in individuals with PKD2-related disease. In summary, the available evidence is currently insufficient to determine the role of this variant in disease. Therefore, it has been classified as a Variant of Uncertain Significance. Algorithms developed to predict the effect of missense changes on protein structure and function do not agree on the potential impact of this missense change (SIFT: "Deleterious"; PolyPhen-2: "Probably Damaging"; Align-GVGD: "Class C0").

NM_000297.4(PKD2):c.1816A>T (p.Ile606Phe)

Gene: PKD2 (polycystin 2, transient receptor potential cation channel; plus strand). Cytogenetic location: 4q22.1.
Variant type: single nucleotide variant.
Coding change: c.1816A>T on transcript NM_000297.4 (MANE Select); coding-DNA position 1816, A replaced by T.
Protein change: p.Ile606Phe; replaces isoleucine 606 with phenylalanine.
Molecular consequence: missense variant. On other transcripts: non-coding transcript variant (1).
Genome position (GRCh38, 1-based): chr4:88,056,185, A>T. VCF-style: chr4-88056185-A-T. GRCh37 (hg19) VCF-style: chr4-88977337-A-T.
Other names: short protein forms I606F.
Identifiers: ClinVar variation 569543 (VCV000569543.9), dbSNP rs755666887, ClinGen allele CA357622816.
Genomic context (GRCh38, chr4:88,056,185, plus strand): 5'-CTCTCGACAACCATGTCTCGATGTGCCAAAGACCTGTTTGGCTTTGCTATTATGTTCTTC[A>T]TTATTTTCCTAGCGTATGCTCAGTTGGCATACCTTGTCTTTGGCACTCAGGTCGATGACT-3'
Protein context (NP_000288.1, residues 596-616): DLFGFAIMFF[Ile606Phe]IFLAYAQLAY